The following is an entry in ClinVar:

ClinVar aggregate classification (germline): Likely pathogenic (1 of 4 stars; one submission).

Conditions:
Fanconi anemia (FA). Also called: Fanconi's anemia. Identifiers: Orphanet 84, MedGen C0015625, MeSH D005199, MONDO:0019391.

Submission:

Labcorp Genetics (formerly Invitae), Labcorp
Classification: Likely pathogenic for Fanconi anemia. Last evaluated: 2023-05-20. Review status: criteria provided, single submitter. Criteria: Invitae Variant Classification Sherloc (09022015). Collection method: clinical testing. Allele origin: germline.
Comment: In summary, the currently available evidence indicates that the variant is pathogenic, but additional data are needed to prove that conclusively. Therefore, this variant has been classified as Likely Pathogenic. Algorithms developed to predict the effect of sequence changes on RNA splicing suggest that this variant may disrupt the consensus splice site. This variant has not been reported in the literature in individuals affected with FANCA-related conditions. This variant is not present in population databases (gnomAD no frequency). This sequence change affects an acceptor splice site in intron 37 of the FANCA gene. It is expected to disrupt RNA splicing. Variants that disrupt the donor or acceptor splice site typically lead to a loss of protein function (PMID: 16199547), and loss-of-function variants in FANCA are known to be pathogenic (PMID: 19367192).

Literature cited by the submitters: PubMed 16199547; PubMed 19367192.

NM_000135.4(FANCA):c.3766-1G>A

Genes: FANCA (FA complementation group A; minus strand), ZNF276 (zinc finger protein 276; plus strand). Cytogenetic location: 16q24.3.
Variant type: single nucleotide variant.
Coding change: c.3766-1G>A on transcript NM_000135.4 (MANE Select); the canonical splice acceptor site of the intron before coding-DNA position 3766, G replaced by A.
Molecular consequence: splice acceptor variant. On other transcripts: 3 prime UTR variant (2), non-coding transcript variant (4).
Genome position (GRCh38, 1-based): chr16:89,740,867, C>T on the plus strand (G>A on the coding strand, the complement: FANCA is on the minus strand). VCF-style: chr16-89740867-C-T. GRCh37 (hg19) VCF-style: chr16-89807275-C-T.
Other names: c.*2621C>T (NM_001113525.2, NM_152287.4); c.3766-1G>A (NM_001286167.3).
Identifiers: ClinVar variation 2988685 (VCV002988685.3), dbSNP rs2544095343, ClinGen allele CA397485260.